The following is an entry in ClinVar:

ClinVar aggregate classification (germline): Likely benign. Review status: criteria provided, multiple submitters, no conflicts (2 of 4 stars). 3 submissions from 3 submitters: Likely benign (3). Last evaluated 2025-12-15.

Conditions:
Juvenile polyposis syndrome (JPS). Identifiers: Orphanet 2929, MedGen C0345893, MONDO:0017380, OMIM 174900.
Hereditary cancer-predisposing syndrome. Also called: Hereditary neoplastic syndrome; Tumor predisposition; Neoplastic Syndromes, Hereditary; Hereditary Cancer Syndrome. Identifiers: Orphanet 140162, MedGen C0027672, MeSH D009386, MONDO:0015356.
Juvenile polyposis/hereditary hemorrhagic telangiectasia syndrome (JPHT). Also called: Juvenile Polyposis Syndrome / Hereditary Hemorrhagic Telangiectasia (JPS/HHT); JP/HHT SYNDROME; JUVENILE POLYPOSIS WITH HEREDITARY HEMORRHAGIC TELANGIECTASIA; POLYPOSIS, GENERALIZED JUVENILE, WITH PULMONARY ARTERIOVENOUS MALFORMATION; TELANGIECTASIA, HEREDITARY HEMORRHAGIC, WITH JUVENILE POLYPOSIS COLI. Identifiers: Orphanet 2929, MedGen C1832942, MONDO:0008278, OMIM 175050.

Allele frequency attached by ClinVar (database versions not stated): gnomAD 0.00001.
gnomAD v4.1: 6 of 1,613,924 alleles (0.00037%); highest among the groups gnomAD compares: Non-Finnish European, 0.00051%; no homozygotes.

Submissions (3):

Labcorp Genetics (formerly Invitae), Labcorp
Classification: Likely benign for Juvenile polyposis syndrome. Last evaluated: 2025-12-15. Review status: criteria provided, single submitter. Criteria: Invitae Variant Classification Sherloc (09022015). Collection method: clinical testing. Allele origin: germline.

All of Us Research Program, National Institutes of Health
Classification: Likely benign for Juvenile polyposis/hereditary hemorrhagic telangiectasia syndrome. Last evaluated: 2024-04-25. Review status: criteria provided, single submitter. Criteria: ACMG Guidelines, 2015. Collection method: clinical testing. Allele origin: germline. Inheritance: Autosomal dominant inheritance. Observed: 1 variant allele, 1 heterozygote.
Comment: This study involves interpretation of variants in research participants for the purpose of population health screening. Participant phenotype was not available at the time of variant classification. Additional details can be found in publication PMID: 35346344, PMCID: PMC8962531

Color Diagnostics, LLC DBA Color Health
Classification: Likely benign for Hereditary cancer-predisposing syndrome. Last evaluated: 2017-07-05. Review status: criteria provided, single submitter. Criteria: ACMG Guidelines, 2015. Collection method: clinical testing. Allele origin: germline.

NM_005359.6(SMAD4):c.668-6C>G

Gene: SMAD4 (SMAD family member 4; plus strand). Cytogenetic location: 18q21.2.
Variant type: single nucleotide variant.
Coding change: c.668-6C>G on transcript NM_005359.6 (MANE Select); 6 bases into the intron before coding-DNA position 668, C replaced by G.
Molecular consequence: intron variant.
Genome position (GRCh38, 1-based): chr18:51,058,119, C>G. VCF-style: chr18-51058119-C-G. GRCh37 (hg19) VCF-style: chr18-48584489-C-G.
Identifiers: ClinVar variation 492489 (VCV000492489.14), dbSNP rs748992694, ClinGen allele CA8965885.